The following is an entry in ClinVar:

NM_001035.3(RYR2):c.10524A>G (p.Ile3508Met)

Gene: RYR2 (ryanodine receptor 2; plus strand). Cytogenetic location: 1q43.
Variant type: single nucleotide variant.
Coding change: c.10524A>G on transcript NM_001035.3 (MANE Select); coding-DNA position 10524, A replaced by G.
Protein change: p.Ile3508Met; replaces isoleucine 3508 with methionine.
Molecular consequence: missense variant.
Genome position (GRCh38, 1-based): chr1:237,718,491, A>G. VCF-style: chr1-237718491-A-G. GRCh37 (hg19) VCF-style: chr1-237881791-A-G.
Other names: short protein forms I3508M.
Identifiers: ClinVar variation 1041887 (VCV001041887.48), dbSNP rs770094996, ClinGen allele CA345415241.
Genomic context (GRCh38, chr1:237,718,491, plus strand): 5'-CTCCTTTTAGGTAACATATATTTCTTGACAGAAAGATACCGAGGATGAAGTACGAGATAT[A>G]ATCCGCAGCAATATTCATTTACAAGGCAAGGTAAGCCAAATTTTATTCTTAAGCCACATT-3'
Protein context (NP_001026.2, residues 3498-3518): LKDTEDEVRD[Ile3508Met]IRSNIHLQGK

ClinVar aggregate classification (germline): Uncertain significance (1 of 4 stars; one submission).

Conditions:
Catecholaminergic polymorphic ventricular tachycardia 1. Also called: VENTRICULAR TACHYCARDIA, CATECHOLAMINERGIC POLYMORPHIC, 1, WITH OR WITHOUT ATRIAL DYSFUNCTION AND/OR DILATED CARDIOMYOPATHY; VENTRICULAR TACHYCARDIA, STRESS-INDUCED POLYMORPHIC 1; RYR2-Related Catecholaminergic Polymorphic Ventricular Tachycardia. Identifiers: Orphanet 3286, MedGen C1631597, MONDO:0011484, OMIM 604772.

Submission:

Labcorp Genetics (formerly Invitae), Labcorp
Classification: Uncertain significance for Catecholaminergic polymorphic ventricular tachycardia 1. Last evaluated: 2020-02-19. Review status: criteria provided, single submitter. Criteria: Invitae Variant Classification Sherloc (09022015). Collection method: clinical testing. Allele origin: germline.
Comment: In summary, the available evidence is currently insufficient to determine the role of this variant in disease. Therefore, it has been classified as a Variant of Uncertain Significance. Algorithms developed to predict the effect of missense changes on protein structure and function are either unavailable or do not agree on the potential impact of this missense change (SIFT: "Deleterious"; PolyPhen-2: "Benign"; Align-GVGD: "Class C0"). This sequence change replaces isoleucine with methionine at codon 3508 of the RYR2 protein (p.Ile3508Met). The isoleucine residue is highly conserved and there is a small physicochemical difference between isoleucine and methionine. This variant is not present in population databases (ExAC no frequency). This variant has not been reported in the literature in individuals with RYR2-related conditions.